The following is an entry in ClinVar:

NM_000553.6(WRN):c.3449A>G (p.Gln1150Arg)

Gene: WRN (WRN RecQ like helicase; plus strand). Cytogenetic location: 8p12.
Variant type: single nucleotide variant.
Coding change: c.3449A>G on transcript NM_000553.6 (MANE Select); coding-DNA position 3449, A replaced by G.
Protein change: p.Gln1150Arg; replaces glutamine 1150 with arginine.
Molecular consequence: missense variant.
Genome position (GRCh38, 1-based): chr8:31,147,118, A>G. VCF-style: chr8-31147118-A-G. GRCh37 (hg19) VCF-style: chr8-31004634-A-G.
Other names: short protein forms Q1150R.
Identifiers: ClinVar variation 1904294 (VCV001904294.5), dbSNP rs2536042044, ClinGen allele CA370925526.

ClinVar aggregate classification (germline): Uncertain significance (1 of 4 stars; one submission).

Conditions:
Werner syndrome (WRN). Identifiers: Orphanet 902, MedGen C0043119, MONDO:0010196, OMIM 277700.

Submission:

Labcorp Genetics (formerly Invitae), Labcorp
Classification: Uncertain significance for Werner syndrome. Last evaluated: 2022-06-03. Review status: criteria provided, single submitter. Criteria: Invitae Variant Classification Sherloc (09022015). Collection method: clinical testing. Allele origin: germline.
Comment: This sequence change replaces glutamine, which is neutral and polar, with arginine, which is basic and polar, at codon 1150 of the WRN protein (p.Gln1150Arg). This variant is not present in population databases (gnomAD no frequency). This variant has not been reported in the literature in individuals affected with WRN-related conditions. Algorithms developed to predict the effect of missense changes on protein structure and function are either unavailable or do not agree on the potential impact of this missense change (SIFT: "Not Available"; PolyPhen-2: "Benign"; Align-GVGD: "Not Available"). In summary, the available evidence is currently insufficient to determine the role of this variant in disease. Therefore, it has been classified as a Variant of Uncertain Significance.